The following is an entry in ClinVar:

NM_001197104.2(KMT2A):c.6887C>T (p.Ala2296Val)

Gene: KMT2A (lysine methyltransferase 2A; plus strand). Cytogenetic location: 11q23.3.
Variant type: single nucleotide variant.
Coding change: c.6887C>T on transcript NM_001197104.2 (MANE Select); coding-DNA position 6887, C replaced by T.
Protein change: p.Ala2296Val; replaces alanine 2296 with valine.
Molecular consequence: missense variant.
Genome position (GRCh38, 1-based): chr11:118,502,779, C>T. VCF-style: chr11-118502779-C-T. GRCh37 (hg19) VCF-style: chr11-118373494-C-T.
Other names: c.6977C>T, p.Ala2326Val (NM_001412597.1); c.6878C>T, p.Ala2293Val (NM_005933.4); short protein forms A2326V, A2296V, A2293V.
Identifiers: ClinVar variation 2016940 (VCV002016940.4), dbSNP rs782235146, ClinGen allele CA382803381.

ClinVar aggregate classification (germline): Uncertain significance (1 of 4 stars; one submission).

Submission:

Labcorp Genetics (formerly Invitae), Labcorp
Classification: Uncertain significance. Last evaluated: 2022-07-24. Review status: criteria provided, single submitter. Criteria: Invitae Variant Classification Sherloc (09022015). Collection method: clinical testing. Allele origin: germline.
Comment: This sequence change replaces alanine, which is neutral and non-polar, with valine, which is neutral and non-polar, at codon 2296 of the KMT2A protein (p.Ala2296Val). This variant is not present in population databases (gnomAD no frequency). In summary, the available evidence is currently insufficient to determine the role of this variant in disease. Therefore, it has been classified as a Variant of Uncertain Significance. Advanced modeling of protein sequence and biophysical properties (such as structural, functional, and spatial information, amino acid conservation, physicochemical variation, residue mobility, and thermodynamic stability) performed at Invitae indicates that this missense variant is not expected to disrupt KMT2A protein function. This variant has not been reported in the literature in individuals affected with KMT2A-related conditions.